The following is an entry in ClinVar:

ClinVar aggregate classification (germline): Likely benign (0 of 4 stars; one submission).

Conditions:
AFF2-related disorder. Also called: AFF2-related condition.

Allele frequency attached by ClinVar (database versions not stated): gnomAD 0.00011; ExAC 0.00013; TOPMed 0.00016; ESP Exome Variant Server 0.00019; gnomAD exomes 0.00058.
gnomAD v4.1: 621 of 1,183,674 alleles (0.052%); highest among the groups gnomAD compares: Non-Finnish European, 0.069%; no homozygotes.

Submission:

PreventionGenetics, part of Exact Sciences
Classification: Likely benign for AFF2-related condition. Last evaluated: 2019-07-01. Review status: no assertion criteria provided. Collection method: clinical testing. Allele origin: germline.
Comment: This variant is classified as likely benign based on ACMG/AMP sequence variant interpretation guidelines (Richards et al. 2015 PMID: 25741868, with internal and published modifications).

NM_002025.4(AFF2):c.3543C>T (p.Tyr1181=)

Gene: AFF2 (ALF transcription elongation factor 2; plus strand). Cytogenetic location: Xq28.
Variant type: single nucleotide variant.
Coding change: c.3543C>T on transcript NM_002025.4 (MANE Select); coding-DNA position 3543, C replaced by T.
Protein change: p.Tyr1181=; no amino-acid change (tyrosine 1181 retained).
Molecular consequence: synonymous variant.
Genome position (GRCh38, 1-based): chrX:148,978,428, C>T. VCF-style: chrX-148978428-C-T. GRCh37 (hg19) VCF-style: chrX-148059958-C-T.
Other names: c.3438C>T, p.Tyr1146= (NM_001169122.2, NM_001169124.2); c.3513C>T, p.Tyr1171= (NM_001169123.2); c.3426C>T, p.Tyr1142= (NM_001169125.2); c.2466C>T, p.Tyr822= (NM_001170628.1).
Identifiers: ClinVar variation 3043521 (VCV003043521.2), dbSNP rs141612728, ClinGen allele CA10537336.